The following is an entry in ClinVar:

NM_033100.4(CDHR1):c.1474G>C (p.Val492Leu)

Gene: CDHR1 (cadherin related family member 1; plus strand). Cytogenetic location: 10q23.1.
Variant type: single nucleotide variant.
Coding change: c.1474G>C on transcript NM_033100.4 (MANE Select); coding-DNA position 1474, G replaced by C.
Protein change: p.Val492Leu; replaces valine 492 with leucine.
Molecular consequence: missense variant.
Genome position (GRCh38, 1-based): chr10:84,211,154, G>C. VCF-style: chr10-84211154-G-C. GRCh37 (hg19) VCF-style: chr10-85970910-G-C.
Other names: c.1474G>C, p.Val492Leu (NM_001171971.3); short protein forms V492L.
Identifiers: ClinVar variation 863564 (VCV000863564.9), dbSNP rs141797175, ClinGen allele CA5579947.

ClinVar aggregate classification (germline): Conflicting classifications of pathogenicity. Review status: criteria provided, conflicting classifications (1 of 4 stars). 3 submissions from 3 submitters: Uncertain significance (1); Likely benign (1). 1 of the submissions does not count toward it. Last evaluated 2022-09-01.

Conditions:
Retinal dystrophy. Also called: Inherited retinal dystrophy. Identifiers: Orphanet 71862, MedGen C0854723, MeSH D058499, MONDO:0019118, HP:0000556.

Allele frequency attached by ClinVar (database versions not stated): gnomAD exomes 0.00004; ExAC 0.00007; 1000 Genomes Project 30x 0.00016; 1000 Genomes Project 0.00020; TOPMed 0.00020; gnomAD 0.00023 and 0.00025; ESP Exome Variant Server 0.00038.
gnomAD v4.1: 45 of 1,614,234 alleles (0.0028%); highest among the groups gnomAD compares: African/African-American, 0.053%; no homozygotes.

Submissions (3):

Labcorp Genetics (formerly Invitae), Labcorp
Classification: Uncertain significance. Last evaluated: 2022-09-01. Review status: criteria provided, single submitter. Criteria: Invitae Variant Classification Sherloc (09022015). Collection method: clinical testing. Allele origin: germline.
Comment: This sequence change replaces valine, which is neutral and non-polar, with leucine, which is neutral and non-polar, at codon 492 of the CDHR1 protein (p.Val492Leu). This variant is present in population databases (rs141797175, gnomAD 0.05%). This variant has not been reported in the literature in individuals affected with CDHR1-related conditions. ClinVar contains an entry for this variant (Variation ID: 863564). Advanced modeling of protein sequence and biophysical properties (such as structural, functional, and spatial information, amino acid conservation, physicochemical variation, residue mobility, and thermodynamic stability) performed at Invitae indicates that this missense variant is not expected to disrupt CDHR1 protein function. In summary, the available evidence is currently insufficient to determine the role of this variant in disease. Therefore, it has been classified as a Variant of Uncertain Significance.

Blueprint Genetics
Classification: Likely benign. Last evaluated: 2022-04-05. Review status: criteria provided, single submitter. Criteria: ACMG Guidelines, 2015. Collection method: clinical testing. Allele origin: germline.

Institute of Human Genetics, Univ. Regensburg, Univ. Regensburg
Classification: Uncertain significance for Retinal dystrophy. Last evaluated: 2022-01-01. Review status: no assertion criteria provided. Criteria: ACMG Guidelines, 2015. Collection method: clinical testing. Allele origin: germline. Affected: yes. Not counted in ClinVar's aggregate classification.